The following is an entry in ClinVar:

NM_016734.3(PAX5):c.434A>G (p.Gln145Arg)

Genes: PAX5 (paired box 5; minus strand), LOC105376032 (uncharacterized LOC105376032; plus strand). Cytogenetic location: 9p13.2.
Variant type: single nucleotide variant.
Coding change: c.434A>G on transcript NM_016734.3 (MANE Select); coding-DNA position 434, A replaced by G.
Protein change: p.Gln145Arg; replaces glutamine 145 with arginine.
Molecular consequence: missense variant. On other transcripts: non-coding transcript variant (2).
Genome position (GRCh38, 1-based): chr9:37,006,514, T>C on the plus strand (A>G on the coding strand, the complement: PAX5 is on the minus strand). VCF-style: chr9-37006514-T-C. GRCh37 (hg19) VCF-style: chr9-37006511-T-C.
Other names: c.434A>G, p.Gln145Arg (NM_001280547.2, NM_001280548.2, NM_001280549.2 and 4 more transcripts); c.110A>G, p.Gln37Arg (NM_001280551.2, NM_001280556.2); c.236A>G, p.Gln79Arg (NM_001280555.2); short protein forms Q37R, Q79R, Q145R.
Identifiers: ClinVar variation 3928339 (VCV003928339.1).
Genomic context (GRCh38, chr9:37,006,514, plus strand): 5'-TTTTAAAAGTTCCTCTTACCTATGCTGTGACTGGAAGCTGGGACTGGTTGGTTGGGTGGC[T>C]GCTGTACTTTTGTCCGGATGATCCTGTGGGCAGTTGAAAAACAAAATTGCTATTTACCAT-3'
Protein context (NP_057953.1, residues 135-155): INRIIRTKVQ[Gln145Arg]PPNQPVPASS

ClinVar aggregate classification (germline): Uncertain significance (1 of 4 stars; one submission).

Conditions:
Inborn genetic diseases. Identifiers: MedGen C0950123, MeSH D030342.

Submission:

Ambry Genetics
Classification: Uncertain significance for Inborn genetic diseases. Last evaluated: 2025-05-23. Review status: criteria provided, single submitter. Criteria: Ambry Variant Classification Scheme 2023. Collection method: clinical testing. Allele origin: germline.
Comment: The p.Q145R variant (also known as c.434A>G), located in coding exon 4 of the PAX5 gene, results from an A to G substitution at nucleotide position 434. The glutamine at codon 145 is replaced by arginine, an amino acid with highly similar properties. This amino acid position is conserved. In addition, this alteration is predicted to be deleterious by in silico analysis. Based on the available evidence, the clinical significance of this variant remains unclear.